The following is an entry in ClinVar:

NM_004656.4(BAP1):c.1915G>A (p.Val639Met)

Gene: BAP1 (BRCA1 associated deubiquitinase 1; minus strand). Cytogenetic location: 3p21.1.
Variant type: single nucleotide variant.
Coding change: c.1915G>A on transcript NM_004656.4 (MANE Select); coding-DNA position 1915, G replaced by A.
Protein change: p.Val639Met; replaces valine 639 with methionine.
Molecular consequence: missense variant.
Genome position (GRCh38, 1-based): chr3:52,402,847, C>T on the plus strand (G>A on the coding strand, the complement: BAP1 is on the minus strand). VCF-style: chr3-52402847-C-T. GRCh37 (hg19) VCF-style: chr3-52436863-C-T.
Other names: short protein forms V639M.
Identifiers: ClinVar variation 1381725 (VCV001381725.8), dbSNP rs1294423914, ClinGen allele CA353096821.

ClinVar aggregate classification (germline): Uncertain significance (1 of 4 stars; one submission).

Conditions:
BAP1-related tumor predisposition syndrome (TPDS1). Also called: TUMOR PREDISPOSITION SYNDROME 1; Tumor susceptibility linked to germline BAP1 mutations; COMMON Syndrome; BAP1 tumor predisposition syndrome. Identifiers: Orphanet 289539, MedGen C3280492, MONDO:0013692, OMIM 614327.

Allele frequency attached by ClinVar (database versions not stated): gnomAD exomes below 0.00001; TOPMed below 0.00001.
gnomAD v4.1: 2 of 1,614,230 alleles (0.00012%); highest among the groups gnomAD compares: Admixed American, 0.0017%; no homozygotes.

Submission:

Labcorp Genetics (formerly Invitae), Labcorp
Classification: Uncertain significance for BAP1-related tumor predisposition syndrome. Last evaluated: 2025-08-11. Review status: criteria provided, single submitter. Criteria: Invitae Variant Classification Sherloc (09022015). Collection method: clinical testing. Allele origin: germline.
Comment: This sequence change replaces valine, which is neutral and non-polar, with methionine, which is neutral and non-polar, at codon 639 of the BAP1 protein (p.Val639Met). This variant is present in population databases (no rsID available, gnomAD 0.003%). This variant has not been reported in the literature in individuals affected with BAP1-related conditions. ClinVar contains an entry for this variant (Variation ID: 1381725). Invitae Evidence Modeling of protein sequence and biophysical properties (such as structural, functional, and spatial information, amino acid conservation, physicochemical variation, residue mobility, and thermodynamic stability) indicates that this missense variant is expected to disrupt BAP1 protein function with a positive predictive value of 80%. In summary, the available evidence is currently insufficient to determine the role of this variant in disease. Therefore, it has been classified as a Variant of Uncertain Significance.